The following is an entry in ClinVar:

NM_004817.4(TJP2):c.1A>T (p.Met1Leu)

Gene: TJP2 (tight junction protein 2; plus strand). Cytogenetic location: 9q21.11.
Variant type: single nucleotide variant.
Coding change: c.1A>T on transcript NM_004817.4 (MANE Select); coding-DNA position 1, A replaced by T.
Protein change: p.Met1Leu; changes the start codon (methionine 1).
Molecular consequence: missense variant, initiator codon variant. On other transcripts: intron variant (3).
Genome position (GRCh38, 1-based): chr9:69,174,373, A>T. VCF-style: chr9-69174373-A-T. GRCh37 (hg19) VCF-style: chr9-71789289-A-T.
Other names: c.1A>T, p.Met1Leu (NM_001369872.1, NM_001369873.1, NM_201629.3); c.-10+22602A>T (NM_001170414.2, NM_001369870.1); c.-127-10714A>T (NM_001369871.1); short protein forms M1L.
Identifiers: ClinVar variation 4997527 (VCV004997527.1).

ClinVar aggregate classification (germline): Uncertain significance (1 of 4 stars; one submission).

Conditions:
TJP2-related disorder. Also called: TJP2-related condition.

Submission:

PreventionGenetics, part of Exact Sciences
Classification: Uncertain significance for TJP2-related condition. Last evaluated: 2024-11-13. Review status: criteria provided, single submitter. Criteria: ACMG Guidelines, 2015. Collection method: clinical testing. Allele origin: germline.
Comment: The TJP2 c.1A>T variant is predicted to disrupt the translation initiation site (Start Loss). To our knowledge, this variant has not been reported in the literature or in a large population database (gnomAD), indicating this variant is rare. Although we suspect that this variant may be pathogenic, at this time, the clinical significance of this variant is uncertain due to the absence of conclusive functional and genetic evidence.